The following is an entry in ClinVar:

ClinVar aggregate classification (germline): Uncertain significance. Review status: criteria provided, multiple submitters, no conflicts (2 of 4 stars). 3 submissions from 3 submitters: Uncertain significance (3). Last evaluated 2025-08-13.

Conditions:
Hereditary cancer-predisposing syndrome. Also called: Hereditary Cancer Syndrome; Tumor predisposition; Neoplastic Syndromes, Hereditary; Hereditary neoplastic syndrome. Identifiers: Orphanet 140162, MedGen C0027672, MeSH D009386, MONDO:0015356.
DICER1-related tumor predisposition. Also called: DICER1-related pleuropulmonary blastoma cancer predisposition syndrome; DICER1 syndrome. Identifiers: Orphanet 284343, MedGen C3839822, MONDO:0100216.
DICER1-related disorder. Also called: DICER1-related condition.

Submissions (3):

Labcorp Genetics (formerly Invitae), Labcorp
Classification: Uncertain significance for DICER1-related tumor predisposition. Last evaluated: 2025-08-13. Review status: criteria provided, single submitter. Criteria: Invitae Variant Classification Sherloc (09022015). Collection method: clinical testing. Allele origin: germline.
Comment: This sequence change replaces proline, which is neutral and non-polar, with leucine, which is neutral and non-polar, at codon 1336 of the DICER1 protein (p.Pro1336Leu). This variant is not present in population databases (gnomAD no frequency). This variant has not been reported in the literature in individuals affected with DICER1-related conditions. ClinVar contains an entry for this variant (Variation ID: 1403097). Invitae Evidence Modeling of protein sequence and biophysical properties (such as structural, functional, and spatial information, amino acid conservation, physicochemical variation, residue mobility, and thermodynamic stability) has been performed for this missense variant. However, the output from this modeling did not meet the statistical confidence thresholds required to predict the impact of this variant on DICER1 protein function. In summary, the available evidence is currently insufficient to determine the role of this variant in disease. Therefore, it has been classified as a Variant of Uncertain Significance.

PreventionGenetics, part of Exact Sciences
Classification: Uncertain significance for DICER1-related condition. Last evaluated: 2024-12-06. Review status: criteria provided, single submitter. Criteria: ACMG Guidelines, 2015. Collection method: clinical testing. Allele origin: germline.
Comment: The DICER1 c.4007C>T variant is predicted to result in the amino acid substitution p.Pro1336Leu. To our knowledge, this variant has not been reported in the literature or in a large population database (gnomAD), indicating this variant is rare. This variant has an interpretation of uncertain significance in ClinVar. At this time, the clinical significance of this variant is uncertain due to the absence of conclusive functional and genetic evidence.

Ambry Genetics
Classification: Uncertain significance for Hereditary cancer-predisposing syndrome. Last evaluated: 2021-02-02. Review status: criteria provided, single submitter. Criteria: Ambry Variant Classification Scheme 2023. Collection method: clinical testing. Allele origin: germline.
Comment: The p.P1336L variant (also known as c.4007C>T), located in coding exon 20 of the DICER1 gene, results from a C to T substitution at nucleotide position 4007. The proline at codon 1336 is replaced by leucine, an amino acid with similar properties. This amino acid position is highly conserved in available vertebrate species. In addition, this alteration is predicted to be deleterious by in silico analysis. Since supporting evidence is limited at this time, the clinical significance of this alteration remains unclear.

NM_177438.3(DICER1):c.4007C>T (p.Pro1336Leu)

Gene: DICER1 (dicer 1, ribonuclease III; minus strand). Cytogenetic location: 14q32.13.
Variant type: single nucleotide variant.
Coding change: c.4007C>T on transcript NM_177438.3 (MANE Select); coding-DNA position 4007, C replaced by T.
Protein change: p.Pro1336Leu; replaces proline 1336 with leucine.
Molecular consequence: missense variant.
Genome position (GRCh38, 1-based): chr14:95,103,389, G>A on the plus strand (C>T on the coding strand, the complement: DICER1 is on the minus strand). VCF-style: chr14-95103389-G-A. GRCh37 (hg19) VCF-style: chr14-95569726-G-A.
Other names: c.4007C>T, p.Pro1336Leu (NM_001195573.1, NM_001271282.3, NM_001291628.2 and 1 more transcripts); short protein forms P1336L.
Identifiers: ClinVar variation 1403097 (VCV001403097.12), dbSNP rs2139954398, ClinGen allele CA390872968.
Genomic context (GRCh38, chr14:95,103,389, plus strand): 5'-AAAAAATCATCTCTTACCTTTTTGCTTCTCATATATGAAAGGCGGCCCTCATGCGCATCA[G>A]GGTAAGTGCAAAATAGATATGTGGTGATGGCATGCTTTAAAAAGGAGTCGCCAAGCATTT-3'
Protein context (NP_803187.1, residues 1326-1346): AITTYLFCTY[Pro1336Leu]DAHEGRLSYM